The following is an entry in ClinVar:

ClinVar aggregate classification (germline): Uncertain significance. Review status: criteria provided, multiple submitters, no conflicts (2 of 4 stars). 2 submissions from 2 submitters: Uncertain significance (2). Last evaluated 2025-04-07.

Conditions:
Hereditary cancer-predisposing syndrome. Also called: Hereditary Cancer Syndrome; Tumor predisposition; Neoplastic Syndromes, Hereditary; Hereditary neoplastic syndrome. Identifiers: Orphanet 140162, MedGen C0027672, MeSH D009386, MONDO:0015356.
Hereditary breast ovarian cancer syndrome. Also called: Hereditary breast and ovarian cancer syndrome (HBOC); Hereditary breast and/or ovarian cancer syndrome; BRCA1- and BRCA2-Associated Hereditary Breast and Ovarian Cancer; Hereditary breast and ovarian cancer syndrome; Hereditary breast and ovarian cancer; Breast and ovarian cancer. Identifiers: Orphanet 145, MedGen C0677776, MeSH D061325, MONDO:0003582. Disease mechanism: loss of function.

Submissions (2):

Labcorp Genetics (formerly Invitae), Labcorp
Classification: Uncertain significance for Hereditary breast ovarian cancer syndrome. Last evaluated: 2025-04-07. Review status: criteria provided, single submitter. Criteria: Invitae Variant Classification Sherloc (09022015). Collection method: clinical testing. Allele origin: germline.
Comment: This sequence change replaces glutamic acid, which is acidic and polar, with aspartic acid, which is acidic and polar, at codon 1527 of the BRCA1 protein (p.Glu1527Asp). This variant is not present in population databases (gnomAD no frequency). This variant has not been reported in the literature in individuals affected with BRCA1-related conditions. ClinVar contains an entry for this variant (Variation ID: 1015826). Invitae Evidence Modeling of protein sequence and biophysical properties (such as structural, functional, and spatial information, amino acid conservation, physicochemical variation, residue mobility, and thermodynamic stability) indicates that this missense variant is not expected to disrupt BRCA1 protein function with a negative predictive value of 95%. In summary, the available evidence is currently insufficient to determine the role of this variant in disease. Therefore, it has been classified as a Variant of Uncertain Significance.

Ambry Genetics
Classification: Uncertain significance for Hereditary cancer-predisposing syndrome. Last evaluated: 2023-08-30. Review status: criteria provided, single submitter. Criteria: Ambry Variant Classification Scheme 2023. Collection method: clinical testing. Allele origin: germline.
Comment: The p.E1527D variant (also known as c.4581G>T), located in coding exon 13 of the BRCA1 gene, results from a G to T substitution at nucleotide position 4581. The glutamic acid at codon 1527 is replaced by aspartic acid, an amino acid with highly similar properties. This amino acid position is conserved. In addition, the in silico prediction for this alteration is inconclusive. Since supporting evidence is limited at this time, the clinical significance of this alteration remains unclear.

NM_007294.4(BRCA1):c.4581G>T (p.Glu1527Asp)

Gene: BRCA1 (BRCA1 DNA repair associated; minus strand). Cytogenetic location: 17q21.31.
Variant type: single nucleotide variant.
Coding change: c.4581G>T on transcript NM_007294.4 (MANE Select); coding-DNA position 4581, G replaced by T.
Protein change: p.Glu1527Asp; replaces glutamic acid 1527 with aspartic acid.
Molecular consequence: missense variant. On other transcripts: non-coding transcript variant (1).
Genome position (GRCh38, 1-based): chr17:43,074,425, C>A on the plus strand (G>T on the coding strand, the complement: BRCA1 is on the minus strand). VCF-style: chr17-43074425-C-A. GRCh37 (hg19) VCF-style: chr17-41226442-C-A.
Other names: c.4452G>T, p.Glu1484Asp (NM_001407683.1, NM_001407685.1, NM_001407686.1 and 6 more transcripts); c.4581G>T, p.Glu1527Asp (NM_001407684.1, NM_001407593.1, NM_001407594.1 and 8 more transcripts); c.4449G>T, p.Glu1483Asp (NM_001407690.1, NM_001407691.1); c.4440G>T, p.Glu1480Asp (NM_001407692.1, NM_001407694.1, NM_001407695.1 and 13 more transcripts); c.4437G>T, p.Glu1479Asp (NM_001407734.1, NM_001407735.1, NM_001407736.1 and 21 more transcripts); c.4368G>T, p.Glu1456Asp (NM_001407571.1, NM_001407894.1, NM_001407895.1 and 12 more transcripts); c.4647G>T, p.Glu1549Asp (NM_001407581.1, NM_001407582.1); c.4644G>T, p.Glu1548Asp (NM_001407583.1, NM_001407585.1, NM_001407587.1 and 1 more transcripts); and 68 more; short protein forms E1480D, E1527D, E1548D, E423D, E1358D, E1438D, E1500D, E1525D.
Identifiers: ClinVar variation 1015826 (VCV001015826.12), dbSNP rs1060504560, ClinGen allele CA10592350.